The following is an entry in ClinVar:

ClinVar aggregate classification (germline): Uncertain significance. Review status: criteria provided, multiple submitters, no conflicts (2 of 4 stars). 2 submissions from 2 submitters: Uncertain significance (2). Last evaluated 2024-06-21.

Allele frequency attached by ClinVar (database versions not stated): gnomAD 0.00001; TOPMed 0.00003.
gnomAD v4.1: 1 of 1,612,920 alleles (0.000062%); highest among the groups gnomAD compares: Admixed American, 0.0017%; no homozygotes.

Submissions (2):

Labcorp Genetics (formerly Invitae), Labcorp
Classification: Uncertain significance. Last evaluated: 2024-06-21. Review status: criteria provided, single submitter. Criteria: Invitae Variant Classification Sherloc (09022015). Collection method: clinical testing. Allele origin: germline.
Comment: This sequence change replaces leucine, which is neutral and non-polar, with methionine, which is neutral and non-polar, at codon 100 of the CHD3 protein (p.Leu100Met). This variant is not present in population databases (gnomAD no frequency). This variant has not been reported in the literature in individuals affected with CHD3-related conditions. ClinVar contains an entry for this variant (Variation ID: 2637861). An algorithm developed to predict the effect of missense changes on protein structure and function (PolyPhen-2) suggests that this variant is likely to be disruptive. In summary, the available evidence is currently insufficient to determine the role of this variant in disease. Therefore, it has been classified as a Variant of Uncertain Significance.

Women's Health and Genetics/Laboratory Corporation of America, LabCorp
Classification: Uncertain significance. Last evaluated: 2023-10-23. Review status: criteria provided, single submitter. Criteria: LabCorp Variant Classification Summary - May 2015. Collection method: clinical testing. Allele origin: germline.
Comment: Variant summary: CHD3 c.121C>A (p.Leu41Met) results in a conservative amino acid change in the encoded protein sequence. Five of five in-silico tools predict a benign effect of the variant on protein function. The variant was absent in 249720 control chromosomes. The available data on variant occurrences in the general population are insufficient to allow any conclusion about variant significance. To our knowledge, no occurrence of c.121C>A in individuals affected with Snijders Blok-Campeau Syndrome and no experimental evidence demonstrating its impact on protein function have been reported. No submitters have cited clinical-significance assessments for this variant to ClinVar after 2014. Based on the evidence outlined above, the variant was classified as uncertain significance.

NM_001005273.3(CHD3):c.121C>A (p.Leu41Met)

Gene: CHD3 (chromodomain helicase DNA binding protein 3; plus strand). Cytogenetic location: 17p13.1.
Variant type: single nucleotide variant.
Coding change: c.121C>A on transcript NM_001005273.3 (MANE Select); coding-DNA position 121, C replaced by A.
Protein change: p.Leu41Met; replaces leucine 41 with methionine.
Molecular consequence: missense variant.
Genome position (GRCh38, 1-based): chr17:7,889,684, C>A. VCF-style: chr17-7889684-C-A. GRCh37 (hg19) VCF-style: chr17-7793002-C-A.
Other names: c.298C>A, p.Leu100Met (NM_001005271.3); c.121C>A, p.Leu41Met (NM_005852.4); short protein forms L100M, L41M.
Identifiers: ClinVar variation 2637861 (VCV002637861.3), dbSNP rs1968540434, ClinGen allele CA397934505.